The following is an entry in ClinVar:

NM_205850.3(SLC24A5):c.321T>A (p.Asp107Glu)

Gene: SLC24A5 (solute carrier family 24 member 5; plus strand). Cytogenetic location: 15q21.1.
Variant type: single nucleotide variant.
Coding change: c.321T>A on transcript NM_205850.3 (MANE Select); coding-DNA position 321, T replaced by A.
Protein change: p.Asp107Glu; replaces aspartic acid 107 with glutamic acid.
Molecular consequence: missense variant.
Genome position (GRCh38, 1-based): chr15:48,134,277, T>A. VCF-style: chr15-48134277-T-A. GRCh37 (hg19) VCF-style: chr15-48426474-T-A.
Other names: c.321T>A (NM_205850.2); short protein forms D107E.
Identifiers: ClinVar variation 2181847 (VCV002181847.5), dbSNP rs750334231, ClinGen allele CA7545838.

ClinVar aggregate classification (germline): Uncertain significance. Review status: criteria provided, multiple submitters, no conflicts (2 of 4 stars). 2 submissions from 2 submitters: Uncertain significance (2). Last evaluated 2025-03-03.

Conditions:
Inborn genetic diseases. Identifiers: MedGen C0950123, MeSH D030342.

Allele frequency attached by ClinVar (database versions not stated): TOPMed below 0.00001; ExAC 0.00001; gnomAD 0.00001.
gnomAD v4.1: 3 of 1,613,548 alleles (0.00019%); highest among the groups gnomAD compares: Admixed American, 0.005%; no homozygotes.

Submissions (2):

Ambry Genetics
Classification: Uncertain significance for Inborn genetic diseases. Last evaluated: 2025-03-03. Review status: criteria provided, single submitter. Criteria: Ambry Variant Classification Scheme 2023. Collection method: clinical testing. Allele origin: germline.

Labcorp Genetics (formerly Invitae), Labcorp
Classification: Uncertain significance. Last evaluated: 2022-08-13. Review status: criteria provided, single submitter. Criteria: Invitae Variant Classification Sherloc (09022015). Collection method: clinical testing. Allele origin: germline.
Comment: In summary, the available evidence is currently insufficient to determine the role of this variant in disease. Therefore, it has been classified as a Variant of Uncertain Significance. Algorithms developed to predict the effect of missense changes on protein structure and function (SIFT, PolyPhen-2, Align-GVGD) all suggest that this variant is likely to be disruptive. This variant has not been reported in the literature in individuals affected with SLC24A5-related conditions. This variant is present in population databases (rs750334231, gnomAD 0.006%). This sequence change replaces aspartic acid, which is acidic and polar, with glutamic acid, which is acidic and polar, at codon 107 of the SLC24A5 protein (p.Asp107Glu).